The following is an entry in ClinVar:

NM_001009999.3(KDM1A):c.833G>A (p.Arg278His)

Gene: KDM1A (lysine demethylase 1A; plus strand). Cytogenetic location: 1p36.12.
Variant type: single nucleotide variant.
Coding change: c.833G>A on transcript NM_001009999.3 (MANE Select); coding-DNA position 833, G replaced by A.
Protein change: p.Arg278His; replaces arginine 278 with histidine.
Molecular consequence: missense variant.
Genome position (GRCh38, 1-based): chr1:23,055,111, G>A. VCF-style: chr1-23055111-G-A. GRCh37 (hg19) VCF-style: chr1-23381604-G-A.
Other names: c.773G>A, p.Arg258His (NM_001363654.2, NM_001410763.1, NM_015013.4); c.833G>A, p.Arg278His (NM_001410762.1); short protein forms R258H, R278H.
Identifiers: ClinVar variation 2627121 (VCV002627121.4), dbSNP rs1258888061, ClinGen allele CA338962298.

ClinVar aggregate classification (germline): Uncertain significance. Review status: criteria provided, multiple submitters, no conflicts (2 of 4 stars). 3 submissions from 3 submitters: Uncertain significance (3). Last evaluated 2026-02-27.

Conditions:
Inborn genetic diseases. Identifiers: MedGen C0950123, MeSH D030342.

Allele frequency attached by ClinVar (database versions not stated): gnomAD 0.00001.
gnomAD v4.1: 4 of 1,612,228 alleles (0.00025%); highest among the groups gnomAD compares: East Asian, 0.0022%; no homozygotes.

Submissions (3):

Ambry Genetics
Classification: Uncertain significance for Inborn genetic diseases. Last evaluated: 2026-02-27. Review status: criteria provided, single submitter. Criteria: Ambry Variant Classification Scheme 2023. Collection method: clinical testing. Allele origin: germline.
Comment: The p.R278H variant (also known as c.833G>A), located in coding exon 6 of the KDM1A gene, results from a G to A substitution at nucleotide position 833. The arginine at codon 278 is replaced by histidine, an amino acid with highly similar properties. This amino acid position is conserved. In addition, this alteration is predicted to be deleterious by in silico analysis. Based on the available evidence, the clinical significance of this variant remains unclear.

Labcorp Genetics (formerly Invitae), Labcorp
Classification: Uncertain significance. Last evaluated: 2024-03-14. Review status: criteria provided, single submitter. Criteria: Invitae Variant Classification Sherloc (09022015). Collection method: clinical testing. Allele origin: germline.
Comment: This sequence change replaces arginine, which is basic and polar, with histidine, which is basic and polar, at codon 278 of the KDM1A protein (p.Arg278His). This variant is not present in population databases (gnomAD no frequency). This variant has not been reported in the literature in individuals affected with KDM1A-related conditions. ClinVar contains an entry for this variant (Variation ID: 2627121). Advanced modeling of protein sequence and biophysical properties (such as structural, functional, and spatial information, amino acid conservation, physicochemical variation, residue mobility, and thermodynamic stability) performed at Invitae indicates that this missense variant is expected to disrupt KDM1A protein function with a positive predictive value of 80%. In summary, the available evidence is currently insufficient to determine the role of this variant in disease. Therefore, it has been classified as a Variant of Uncertain Significance.

Women's Health and Genetics/Laboratory Corporation of America, LabCorp
Classification: Uncertain significance. Last evaluated: 2023-09-06. Review status: criteria provided, single submitter. Criteria: LabCorp Variant Classification Summary - May 2015. Collection method: clinical testing. Allele origin: germline.
Comment: Variant summary: AOF2 c.833G>A (p.Arg278His) results in a non-conservative amino acid change in the encoded protein sequence. Four of five in-silico tools predict a damaging effect of the variant on protein function. The variant was absent in 31390 control chromosomes. The available data on variant occurrences in the general population are insufficient to allow any conclusion about variant significance. To our knowledge, no occurrence of c.833G>A in individuals affected with Palatal Anomalies-Widely Spaced Teeth-Facial Dysmorphism-Developmental Delay Syndrome and no experimental evidence demonstrating its impact on protein function have been reported. No submitters have cited clinical-significance assessments for this variant to ClinVar after 2014. Based on the evidence outlined above, the variant was classified as uncertain significance.